The following is an entry in ClinVar:

NM_017739.4(POMGNT1):c.1173T>C (p.Val391=)

Genes: POMGNT1 (protein O-linked mannose N-acetylglucosaminyltransferase 1 (beta 1,2-); minus strand), TSPAN1 (tetraspanin 1; plus strand). Cytogenetic location: 1p34.1.
Variant type: single nucleotide variant.
Coding change: c.1173T>C on transcript NM_017739.4 (MANE Select); coding-DNA position 1173, T replaced by C.
Protein change: p.Val391=; no amino-acid change (valine 391 retained).
Molecular consequence: synonymous variant.
Genome position (GRCh38, 1-based): chr1:46,192,938, A>G on the plus strand (T>C on the coding strand, the complement: POMGNT1 is on the minus strand). VCF-style: chr1-46192938-A-G. GRCh37 (hg19) VCF-style: chr1-46658610-A-G.
Other names: c.1173T>C, p.Val391= (NM_001243766.2, NM_001410783.1); c.1107T>C, p.Val369= (NM_001290129.3); c.744T>C, p.Val248= (NM_001290130.2).
Identifiers: ClinVar variation 390299 (VCV000390299.1), dbSNP rs142739678, ClinGen allele CA16603661.

ClinVar aggregate classification (germline): Likely benign (1 of 4 stars; one submission).

Allele frequency attached by ClinVar (database versions not stated): gnomAD exomes below 0.00001; ESP Exome Variant Server 0.00008.

Submission:

GeneDx
Classification: Likely benign. Last evaluated: 2016-10-27. Review status: criteria provided, single submitter. Criteria: GeneDx Variant Classification (06012015). Collection method: clinical testing. Allele origin: germline. Affected: yes.
Comment: This variant is considered likely benign or benign based on one or more of the following criteria: it is a conservative change, it occurs at a poorly conserved position in the protein, it is predicted to be benign by multiple in silico algorithms, and/or has population frequency not consistent with disease.